The following is an entry in ClinVar:

NM_000492.4(CFTR):c.2994A>T (p.Leu998Phe)

Genes: CFTR (CF transmembrane conductance regulator; plus strand), CFTR-AS2 (CFTR antisense RNA 2; minus strand), LOC111674472 (DNase I hypersensitive sites in introns 16 and 17a of CFTR; plus strand). Cytogenetic location: 7q31.2.
Variant type: single nucleotide variant.
Coding change: c.2994A>T on transcript NM_000492.4 (MANE Select); coding-DNA position 2994, A replaced by T.
Protein change: p.Leu998Phe; replaces leucine 998 with phenylalanine.
Molecular consequence: missense variant.
Genome position (GRCh38, 1-based): chr7:117,610,524, A>T. VCF-style: chr7-117610524-A-T. GRCh37 (hg19) VCF-style: chr7-117250578-A-T.
Other names: short protein forms L998F.
Identifiers: ClinVar variation 1798552 (VCV001798552.2), dbSNP rs751537272, ClinGen allele CA368990277.
Genomic context (GRCh38, chr7:117,610,524, plus strand): 5'-CCACTTTGCAATGTGAAAATGTTTACTCACCAACATGTTTTCTTTGATCTTACAGTTGTT[A>T]TTAATTGTGATTGGAGCTATAGCAGTTGTCGCAGTTTTACAACCCTACATCTTTGTTGCA-3'
Protein context (NP_000483.3, residues 988-1008): PLTIFDFIQL[Leu998Phe]LIVIGAIAVV

ClinVar aggregate classification (germline): Uncertain significance (1 of 4 stars; one submission).

Conditions:
Cystic fibrosis (CF). Also called: MUCOVISCIDOSIS. Identifiers: Orphanet 586, MedGen C0010674, MONDO:0009061, OMIM 219700. Disease mechanism: loss of function.

Submission:

Ambry Genetics
Classification: Uncertain significance for Cystic fibrosis. Last evaluated: 2022-07-27. Review status: criteria provided, single submitter. Criteria: Ambry Variant Classification Scheme 2023. Collection method: clinical testing. Allele origin: germline.
Comment: The p.L998F variant (also known as c.2994A>T), located in coding exon 19 of the CFTR gene, results from an A to T substitution at nucleotide position 2994. The leucine at codon 998 is replaced by phenylalanine, an amino acid with highly similar properties. This amino acid position is conserved. In addition, this alteration is predicted to be tolerated by in silico analysis. Since supporting evidence is limited at this time, the clinical significance of this alteration remains unclear.